The following is an entry in ClinVar:

NM_018027.5(FRMD4A):c.2436C>T (p.Gly812=)

Gene: FRMD4A (FERM domain containing 4A; minus strand). Cytogenetic location: 10p13.
Variant type: single nucleotide variant.
Coding change: c.2436C>T on transcript NM_018027.5 (MANE Select); coding-DNA position 2436, C replaced by T.
Protein change: p.Gly812=; no amino-acid change (glycine 812 retained).
Molecular consequence: synonymous variant.
Genome position (GRCh38, 1-based): chr10:13,657,153, G>A on the plus strand (C>T on the coding strand, the complement: FRMD4A is on the minus strand). VCF-style: chr10-13657153-G-A. GRCh37 (hg19) VCF-style: chr10-13699153-G-A.
Other names: NC_000010.10:g.13699153G>A; c.2484C>T, p.Gly828= (NM_001318336.2); c.2535C>T, p.Gly845= (NM_001318337.2); c.1509C>T, p.Gly503= (NM_001318338.2).
Identifiers: ClinVar variation 3039216 (VCV003039216.3), dbSNP rs1307432773, ClinGen allele CA468404358.

ClinVar aggregate classification (germline): Likely benign (0 of 4 stars; one submission).

Conditions:
FRMD4A-related disorder. Also called: FRMD4A-related condition.

Allele frequency attached by ClinVar (database versions not stated): gnomAD exomes 0.00004; gnomAD 0.00008.
gnomAD v4.1: 40 of 1,005,370 alleles (0.004%); highest among the groups gnomAD compares: African/African-American, 0.011%; no homozygotes.

Submissions (2):

PreventionGenetics, part of Exact Sciences
Classification: Likely benign for FRMD4A-related condition. Last evaluated: 2019-05-23. Review status: no assertion criteria provided. Collection method: clinical testing. Allele origin: germline.
Comment: This variant is classified as likely benign based on ACMG/AMP sequence variant interpretation guidelines (Richards et al. 2015 PMID: 25741868, with internal and published modifications).

Dr. Peter K. Rogan Lab, Western University
No classification provided (evidence only). Condition: Lung cancer. Review status: no classification provided. Collection method: in vitro. Allele origin: not applicable. Functional consequence: retained intron. Not counted in ClinVar's aggregate classification.